The following is an entry in ClinVar:

ClinVar aggregate classification (germline): Benign/Likely benign. Review status: criteria provided, multiple submitters, no conflicts (2 of 4 stars). 9 submissions from 9 submitters: Benign (1); Likely benign (8). Last evaluated 2025-12-29.

Conditions:
Classic or attenuated familial adenomatous polyposis. Identifiers: MedGen CN372698, MONDO:0021057.
Hereditary cancer-predisposing syndrome. Also called: Tumor predisposition; Hereditary neoplastic syndrome; Neoplastic Syndromes, Hereditary; Hereditary Cancer Syndrome. Identifiers: Orphanet 140162, MedGen C0027672, MeSH D009386, MONDO:0015356.
Familial adenomatous polyposis 1 (FAP1). Also called: FAMILIAL ADENOMATOUS POLYPOSIS 1, ATTENUATED; POLYPOSIS, ADENOMATOUS INTESTINAL. Identifiers: MedGen C2713442, MONDO:0021056, OMIM 175100. Disease mechanism: loss of function.

Allele frequency attached by ClinVar (database versions not stated): ExAC 0.00001; gnomAD 0.00001; gnomAD exomes 0.00001; TOPMed 0.00002.
gnomAD v4.1: 13 of 1,614,094 alleles (0.00081%); highest among the groups gnomAD compares: Admixed American, 0.0067%; no homozygotes.

Submissions (9):

Center for Genomic Medicine, Rigshospitalet, Copenhagen University Hospital
Classification: Likely benign. Last evaluated: 2025-12-29. Review status: criteria provided, single submitter. Criteria: ACMG Guidelines, 2015. Collection method: clinical testing. Allele origin: germline.
Comment: Classification criteria: BP4, BP7

Labcorp Genetics (formerly Invitae), Labcorp
Classification: Likely benign for Familial adenomatous polyposis 1. Last evaluated: 2025-12-08. Review status: criteria provided, single submitter. Criteria: Invitae Variant Classification Sherloc (09022015). Collection method: clinical testing. Allele origin: germline.

Myriad Genetics, Inc.
Classification: Benign for Familial adenomatous polyposis 1. Last evaluated: 2024-03-15. Review status: criteria provided, single submitter. Criteria: Myriad Autosomal Dominant, Autosomal Recessive and X-Linked Classification Criteria (2023). Collection method: clinical testing. Allele origin: unknown.
Comment: This variant is considered benign. This variant is a silent/synonymous amino acid change and it is not expected to impact splicing.

All of Us Research Program, National Institutes of Health
Classification: Likely benign for Classic or attenuated familial adenomatous polyposis. Last evaluated: 2023-12-18. Review status: criteria provided, single submitter. Criteria: ACMG Guidelines, 2015. Collection method: clinical testing. Allele origin: germline. Inheritance: Autosomal dominant inheritance. Observed: 4 variant alleles, 4 heterozygotes.
Comment: This study involves interpretation of variants in research participants for the purpose of population health screening. Participant phenotype was not available at the time of variant classification. Additional details can be found in publication PMID: 35346344, PMCID: PMC8962531

Quest Diagnostics Nichols Institute San Juan Capistrano
Classification: Likely benign. Last evaluated: 2022-11-17. Review status: criteria provided, single submitter. Criteria: Quest Diagnostics criteria. Collection method: clinical testing. Allele origin: unknown.

Women's Health and Genetics/Laboratory Corporation of America, LabCorp
Classification: Likely benign. Last evaluated: 2022-01-10. Review status: criteria provided, single submitter. Criteria: LabCorp Variant Classification Summary - May 2015. Collection method: clinical testing. Allele origin: germline.

GeneDx
Classification: Likely benign. Last evaluated: 2020-01-28. Review status: criteria provided, single submitter. Criteria: GeneDx Variant Classification Process June 2021. Collection method: clinical testing. Allele origin: germline. Affected: yes.

Color Diagnostics, LLC DBA Color Health
Classification: Likely benign for Hereditary cancer-predisposing syndrome. Last evaluated: 2018-04-11. Review status: criteria provided, single submitter. Criteria: ACMG Guidelines, 2015. Collection method: clinical testing. Allele origin: germline.

Ambry Genetics
Classification: Likely benign for Hereditary cancer-predisposing syndrome. Last evaluated: 2016-04-27. Review status: criteria provided, single submitter. Criteria: Ambry Variant Classification Scheme 2023. Collection method: clinical testing. Allele origin: germline.

NM_000038.6(APC):c.2745G>A (p.Val915=)

Gene: APC (APC regulator of Wnt signaling pathway; plus strand). Cytogenetic location: 5q22.2.
Variant type: single nucleotide variant.
Coding change: c.2745G>A on transcript NM_000038.6 (MANE Select); coding-DNA position 2745, G replaced by A.
Protein change: p.Val915=; no amino-acid change (valine 915 retained).
Molecular consequence: synonymous variant.
Genome position (GRCh38, 1-based): chr5:112,838,339, G>A. VCF-style: chr5-112838339-G-A. GRCh37 (hg19) VCF-style: chr5-112174036-G-A.
Other names: c.2745G>A, p.Val915= (NM_001127510.3, NM_001354895.2); c.2691G>A, p.Val897= (NM_001127511.3); c.2799G>A, p.Val933= (NM_001354896.2); c.2775G>A, p.Val925= (NM_001354897.2); c.2670G>A, p.Val890= (NM_001354898.2); c.2661G>A, p.Val887= (NM_001354899.2); c.2622G>A, p.Val874= (NM_001354900.2); c.2568G>A, p.Val856= (NM_001354901.2); and 5 more.
Identifiers: ClinVar variation 379579 (VCV000379579.25), dbSNP rs761286097, ClinGen allele CA033285.
Genomic context (GRCh38, chr5:112,838,339, plus strand): 5'-AGCCATTCATACCTCTCAGGAAGACAGAAGTTCTGGGTCTACCACTGAATTACATTGTGT[G>A]ACAGATGAGAGAAATGCACTTAGAAGAAGCTCTGCTGCCCATACACATTCAAACACTTAC-3'
Protein context (NP_000029.2, residues 905-925): SSGSTTELHC[Val915=]TDERNALRRS